The following is an entry in ClinVar:

ClinVar aggregate classification (germline): Uncertain significance (1 of 4 stars; one submission).

Conditions:
Charcot-Marie-Tooth disease type 2. Also called: Charcot-Marie-Tooth type 2. Identifiers: Orphanet 64746, MedGen C0270914, MONDO:0018993.

Allele frequency attached by ClinVar (database versions not stated): gnomAD 0.00001.

Submission:

Labcorp Genetics (formerly Invitae), Labcorp
Classification: Uncertain significance for Charcot-Marie-Tooth disease type 2. Last evaluated: 2023-12-22. Review status: criteria provided, single submitter. Criteria: Invitae Variant Classification Sherloc (09022015). Collection method: clinical testing. Allele origin: germline.
Comment: This sequence change replaces alanine, which is neutral and non-polar, with threonine, which is neutral and polar, at codon 360 of the MED25 protein (p.Ala360Thr). This variant is not present in population databases (gnomAD no frequency). This variant has not been reported in the literature in individuals affected with MED25-related conditions. Algorithms developed to predict the effect of missense changes on protein structure and function output the following: SIFT: "Not Available"; PolyPhen-2: "Benign"; Align-GVGD: "Not Available". The threonine amino acid residue is found in multiple mammalian species, which suggests that this missense change does not adversely affect protein function. In summary, the available evidence is currently insufficient to determine the role of this variant in disease. Therefore, it has been classified as a Variant of Uncertain Significance.

NM_030973.4(MED25):c.1078G>A (p.Ala360Thr)

Gene: MED25 (mediator complex subunit 25; plus strand). Cytogenetic location: 19q13.33.
Variant type: single nucleotide variant.
Coding change: c.1078G>A on transcript NM_030973.4 (MANE Select); coding-DNA position 1078, G replaced by A.
Protein change: p.Ala360Thr; replaces alanine 360 with threonine.
Molecular consequence: missense variant.
Genome position (GRCh38, 1-based): chr19:49,830,864, G>A. VCF-style: chr19-49830864-G-A. GRCh37 (hg19) VCF-style: chr19-50334121-G-A.
Other names: c.1078G>A, p.Ala360Thr (NM_001378355.1); short protein forms A360T.
Identifiers: ClinVar variation 3013287 (VCV003013287.1), dbSNP rs2074051036, ClinGen allele CA406915427.
Genomic context (GRCh38, chr19:49,830,864, plus strand): 5'-CCTGCTTCCCAGCCCAGTCTGGTCTCCACTGTGGCCCCTGGCTCCGGCCTGGCTCCCACG[G>A]CACAGCCCGGGGCACCGTCCATGGTAGGTGCCTGCACGCCTCCTGCCCCTGCTCCTTCCT-3'
Protein context (NP_112235.2, residues 350-370): VAPGSGLAPT[Ala360Thr]QPGAPSMAGT